The following is an entry in ClinVar:

NM_001098816.3(TENM4):c.6153C>G (p.Phe2051Leu)

Gene: TENM4 (teneurin transmembrane protein 4; minus strand). Cytogenetic location: 11q14.1.
Variant type: single nucleotide variant.
Coding change: c.6153C>G on transcript NM_001098816.3 (MANE Select); coding-DNA position 6153, C replaced by G.
Protein change: p.Phe2051Leu; replaces phenylalanine 2051 with leucine.
Molecular consequence: missense variant.
Genome position (GRCh38, 1-based): chr11:78,670,192, G>C on the plus strand (C>G on the coding strand, the complement: TENM4 is on the minus strand). VCF-style: chr11-78670192-G-C. GRCh37 (hg19) VCF-style: chr11-78381237-G-C.
Other names: short protein forms F2051L.
Identifiers: ClinVar variation 3454940 (VCV003454940.2).

ClinVar aggregate classification (germline): Uncertain significance. Review status: criteria provided, multiple submitters, no conflicts (2 of 4 stars). 2 submissions from 2 submitters: Uncertain significance (2). Last evaluated 2025-11-16.

gnomAD v4.1: 6 of 1,613,852 alleles (0.00037%); highest among the groups gnomAD compares: African/African-American, 0.0027%; no homozygotes.

Submissions (2):

Labcorp Genetics (formerly Invitae), Labcorp
Classification: Uncertain significance. Last evaluated: 2025-11-16. Review status: criteria provided, single submitter. Criteria: Invitae Variant Classification Sherloc (09022015). Collection method: clinical testing. Allele origin: germline.
Comment: This sequence change replaces phenylalanine, which is neutral and non-polar, with leucine, which is neutral and non-polar, at codon 2051 of the TENM4 protein (p.Phe2051Leu). This variant is present in population databases (rs769225940, gnomAD 0.007%). This variant has not been reported in the literature in individuals affected with TENM4-related conditions. ClinVar contains an entry for this variant (Variation ID: 3454940). Invitae Evidence Modeling of protein sequence and biophysical properties (such as structural, functional, and spatial information, amino acid conservation, physicochemical variation, residue mobility, and thermodynamic stability) indicates that this missense variant is expected to disrupt TENM4 protein function with a positive predictive value of 80%. In summary, the available evidence is currently insufficient to determine the role of this variant in disease. Therefore, it has been classified as a Variant of Uncertain Significance.

Ambry Genetics
Classification: Uncertain significance. Last evaluated: 2024-07-17. Review status: criteria provided, single submitter. Criteria: Ambry Variant Classification Scheme 2023. Collection method: clinical testing. Allele origin: germline.